The following is an entry in ClinVar:

NM_177438.3(DICER1):c.5507C>T (p.Pro1836Leu)

Gene: DICER1 (dicer 1, ribonuclease III; minus strand). Cytogenetic location: 14q32.13.
Variant type: single nucleotide variant.
Coding change: c.5507C>T on transcript NM_177438.3 (MANE Select); coding-DNA position 5507, C replaced by T.
Protein change: p.Pro1836Leu; replaces proline 1836 with leucine.
Molecular consequence: missense variant. On other transcripts: intron variant (1).
Genome position (GRCh38, 1-based): chr14:95,091,223, G>A on the plus strand (C>T on the coding strand, the complement: DICER1 is on the minus strand). VCF-style: chr14-95091223-G-A. GRCh37 (hg19) VCF-style: chr14-95557560-G-A.
Other names: c.5507C>T (NM_177438.2); c.5507C>T, p.Pro1836Leu (NM_001271282.3, NM_001291628.2, NM_030621.4); c.5365-114C>T (NM_001195573.1); short protein forms P1836L.
Identifiers: ClinVar variation 1060078 (VCV001060078.13), dbSNP rs187288681, ClinGen allele CA7330656.

ClinVar aggregate classification (germline): Uncertain significance. Review status: criteria provided, multiple submitters, no conflicts (2 of 4 stars). 4 submissions from 4 submitters: Uncertain significance (4). Last evaluated 2025-05-04.

Conditions:
DICER1-related tumor predisposition. Also called: DICER1 syndrome; DICER1-related pleuropulmonary blastoma cancer predisposition syndrome. Identifiers: Orphanet 284343, MedGen C3839822, MONDO:0100216.
Hereditary cancer-predisposing syndrome. Also called: Tumor predisposition; Neoplastic Syndromes, Hereditary; Hereditary Cancer Syndrome; Hereditary neoplastic syndrome. Identifiers: Orphanet 140162, MedGen C0027672, MeSH D009386, MONDO:0015356.

Submissions (4):

Labcorp Genetics (formerly Invitae), Labcorp
Classification: Uncertain significance for DICER1-related tumor predisposition. Last evaluated: 2025-05-04. Review status: criteria provided, single submitter. Criteria: Invitae Variant Classification Sherloc (09022015). Collection method: clinical testing. Allele origin: germline.
Comment: This sequence change replaces proline, which is neutral and non-polar, with leucine, which is neutral and non-polar, at codon 1836 of the DICER1 protein (p.Pro1836Leu). This variant is present in population databases (rs187288681, gnomAD 0.002%). This missense change has been observed in individual(s) with thyroid carcinoma (PMID: 30672147). ClinVar contains an entry for this variant (Variation ID: 1060078). Invitae Evidence Modeling of protein sequence and biophysical properties (such as structural, functional, and spatial information, amino acid conservation, physicochemical variation, residue mobility, and thermodynamic stability) indicates that this missense variant is not expected to disrupt DICER1 protein function with a negative predictive value of 95%. In summary, the available evidence is currently insufficient to determine the role of this variant in disease. Therefore, it has been classified as a Variant of Uncertain Significance.

Center for Genomic Medicine, Rigshospitalet, Copenhagen University Hospital
Classification: Uncertain significance. Last evaluated: 2025-03-04. Review status: criteria provided, single submitter. Criteria: ACMG Guidelines, 2015. Collection method: clinical testing. Allele origin: germline.

Department of Clinical Genetics, Copenhagen University Hospital, Rigshospitalet
Classification: Uncertain significance for DICER1-related tumor predisposition. Last evaluated: 2025-02-25. Review status: criteria provided, single submitter. Criteria: ACMG Guidelines, 2015. Collection method: clinical testing. Allele origin: germline.
Comment: The following ACMG criteria has been used: PM2_SUP (reported once in gnomAD v.2.1.1 (non-cancer)); PM1_SUP

Ambry Genetics
Classification: Uncertain significance for Hereditary cancer-predisposing syndrome. Last evaluated: 2024-07-22. Review status: criteria provided, single submitter. Criteria: Ambry Variant Classification Scheme 2023. Collection method: clinical testing. Allele origin: germline.
Comment: The p.P1836L variant (also known as c.5507C>T), located in coding exon 24 of the DICER1 gene, results from a C to T substitution at nucleotide position 5507. The proline at codon 1836 is replaced by leucine, an amino acid with similar properties. This variant was reported in an individual with thyroid carcinoma (Kim J et al. Mol Genet Genomic Med, 2019 Mar;7:e555). This amino acid position is highly conserved in available vertebrate species. In addition, this alteration is predicted to be deleterious by in silico analysis. Based on the available evidence, the clinical significance of this variant remains unclear.

Literature cited by the submitters: PubMed 30672147 (cited by 3 submitters).